The following is an entry in ClinVar:

NM_018669.6(WDR4):c.453+2T>C

Gene: WDR4 (WD repeat domain 4; minus strand). Cytogenetic location: 21q22.3.
Variant type: single nucleotide variant.
Coding change: c.453+2T>C on transcript NM_018669.6 (MANE Select); the canonical splice donor site of the intron after coding-DNA position 453, T replaced by C.
Molecular consequence: splice donor variant.
Genome position (GRCh38, 1-based): chr21:42,863,438, A>G on the plus strand (T>C on the coding strand, the complement: WDR4 is on the minus strand). VCF-style: chr21-42863438-A-G. GRCh37 (hg19) VCF-style: chr21-44283548-A-G.
Other names: c.453+2T>C (NM_033661.5, NM_001260474.2); c.15+2T>C (NM_001260476.2, NM_001260475.2, NM_001260477.2).
Identifiers: ClinVar variation 3336335 (VCV003336335.1).

ClinVar aggregate classification (germline): Likely pathogenic (1 of 4 stars; one submission).

Conditions:
WDR4-related disorder. Also called: WDR4-Related Disorders; WDR4-related condition.

Submission:

Women's Health and Genetics/Laboratory Corporation of America, LabCorp
Classification: Likely pathogenic for WDR4-Related Disorders. Last evaluated: 2024-05-28. Review status: criteria provided, single submitter. Criteria: LabCorp Variant Classification Summary - May 2015. Collection method: clinical testing. Allele origin: germline.
Comment: Variant summary: WDR4 c.453+2T>C is located in a canonical splice-site and is predicted to affect mRNA splicing resulting in a significantly altered protein due to either exon skipping, shortening, or inclusion of intronic material. Several computational tools predict a significant impact on normal splicing: One predict the variant weakens a 5' donor site. Three predict the variant abolishes a 5' splicing donor site. Two predict the variant strengthens a cryptic 5' donor site. However, these predictions have yet to be confirmed by functional studies. The variant was absent in 247722 control chromosomes (gnomAD). To our knowledge, no occurrence of c.453+2T>C in individuals affected with WDR4-Related Disorders and no experimental evidence demonstrating its impact on protein function have been reported. No submitters have cited clinical-significance assessments for this variant to ClinVar. Based on the evidence outlined above, the variant was classified as likely pathogenic.